The following is an entry in ClinVar:

NM_000051.4(ATM):c.5822T>C (p.Val1941Ala)

Genes: ATM (ATM serine/threonine kinase; plus strand), C11orf65 (chromosome 11 open reading frame 65; minus strand). Cytogenetic location: 11q22.3.
Variant type: single nucleotide variant.
Coding change: c.5822T>C on transcript NM_000051.4 (MANE Select); coding-DNA position 5822, T replaced by C.
Protein change: p.Val1941Ala; replaces valine 1941 with alanine.
Molecular consequence: missense variant. On other transcripts: intron variant (2).
Genome position (GRCh38, 1-based): chr11:108,310,219, T>C. VCF-style: chr11-108310219-T-C. GRCh37 (hg19) VCF-style: chr11-108180946-T-C.
Other names: c.5822T>C, p.Val1941Ala (NM_001351834.2); c.641-1148A>G (NM_001330368.2); c.*39-1148A>G (NM_001351110.2); short protein forms V1941A.
Identifiers: ClinVar variation 1749903 (VCV001749903.2), dbSNP rs876660334, ClinGen allele CA382548403.

ClinVar aggregate classification (germline): Uncertain significance (1 of 4 stars; one submission).

Conditions:
Hereditary cancer-predisposing syndrome. Also called: Hereditary neoplastic syndrome; Neoplastic Syndromes, Hereditary; Tumor predisposition; Hereditary Cancer Syndrome. Identifiers: Orphanet 140162, MedGen C0027672, MeSH D009386, MONDO:0015356.

Submission:

Ambry Genetics
Classification: Uncertain significance for Hereditary cancer-predisposing syndrome. Last evaluated: 2021-11-23. Review status: criteria provided, single submitter. Criteria: Ambry Variant Classification Scheme 2023. Collection method: clinical testing. Allele origin: germline.
Comment: The p.V1941A variant (also known as c.5822T>C), located in coding exon 38 of the ATM gene, results from a T to C substitution at nucleotide position 5822. The valine at codon 1941 is replaced by alanine, an amino acid with similar properties. This amino acid position is conserved. In addition, the in silico prediction for this alteration is inconclusive. Since supporting evidence is limited at this time, the clinical significance of this alteration remains unclear.